The following is an entry in ClinVar:

NM_000384.3(APOB):c.12536C>T (p.Thr4179Ile)

Gene: APOB (apolipoprotein B; minus strand). Cytogenetic location: 2p24.1.
Variant type: single nucleotide variant.
Coding change: c.12536C>T on transcript NM_000384.3 (MANE Select); coding-DNA position 12536, C replaced by T.
Protein change: p.Thr4179Ile; replaces threonine 4179 with isoleucine.
Molecular consequence: missense variant.
Genome position (GRCh38, 1-based): chr2:21,002,886, G>A on the plus strand (C>T on the coding strand, the complement: APOB is on the minus strand). VCF-style: chr2-21002886-G-A. GRCh37 (hg19) VCF-style: chr2-21225758-G-A.
Other names: short protein forms T4179I.
Identifiers: ClinVar variation 544066 (VCV000544066.21), dbSNP rs370180297, ClinGen allele CA050490.

ClinVar aggregate classification (germline): Conflicting classifications of pathogenicity. Review status: criteria provided, conflicting classifications (1 of 4 stars). 7 submissions from 6 submitters: Uncertain significance (5); Likely benign (2). Last evaluated 2025-04-04.

Conditions:
Familial hypobetalipoproteinemia 1. Also called: Hypobetalipoproteinemia, normotriglyceridemic; Acanthocytosis with hypobetalipoproteinemia; APOB-Related Familial Hypobetalipoproteinemia. Identifiers: MedGen C4551990, MONDO:0014252, OMIM 615558.
Cardiovascular phenotype. Identifiers: MedGen CN230736.
Hypercholesterolemia, autosomal dominant, type B (FHCL2). Also called: Familial hypercholesterolemia 2; APOB-Related Familial Hypercholesterolemia, Autosomal Dominant; HYPERCHOLESTEROLEMIA, FAMILIAL, DUE TO LIGAND-DEFECTIVE APOLIPOPROTEIN B; Hyperlipoproteinemia Type IIb; Familial Hypercholesterolemia Type B; APOLIPOPROTEIN B-100, FAMILIAL DEFECTIVE. Identifiers: MedGen C1704417, MONDO:0007751, OMIM 144010.

Allele frequency attached by ClinVar (database versions not stated): ExAC 0.00003; gnomAD 0.00003 and 0.00004; TOPMed 0.00003; gnomAD exomes 0.00004 and 0.00005; ESP Exome Variant Server 0.00015.
gnomAD v4.1: 79 of 1,613,558 alleles (0.0049%); highest among the groups gnomAD compares: Non-Finnish European, 0.0066%; no homozygotes.

Submissions (7):

ARUP Laboratories, Molecular Genetics and Genomics, ARUP Laboratories
Classification: Uncertain significance. Last evaluated: 2025-04-04. Review status: criteria provided, single submitter. Criteria: ARUP Molecular Germline Variant Investigation Process 2024. Collection method: clinical testing. Allele origin: germline.
Comment: The APOB c.12536C>T; p.Thr4179Ile variant (rs370180297), to our knowledge, is not reported in the medical literature but is reported in ClinVar (Variation ID: 544066). This variant is found in the general population with an overall allele frequency of 0.0039% (11/281824 alleles) in the Genome Aggregation Database (v2.1.1). Computational analyses predict that this variant is neutral (REVEL: 0.122). Due to limited information, the clinical significance of this variant is uncertain at this time.

Ambry Genetics
Classification: Likely benign for Cardiovascular phenotype. Last evaluated: 2025-03-28. Review status: criteria provided, single submitter. Criteria: Ambry Variant Classification Scheme 2023. Collection method: clinical testing. Allele origin: germline.

Labcorp Genetics (formerly Invitae), Labcorp
Classification: Likely benign for Familial hypobetalipoproteinemia 1; Hypercholesterolemia, autosomal dominant, type B. Last evaluated: 2024-08-26. Review status: criteria provided, single submitter. Criteria: Invitae Variant Classification Sherloc (09022015). Collection method: clinical testing. Allele origin: germline.

Quest Diagnostics Nichols Institute San Juan Capistrano
Classification: Uncertain significance. Last evaluated: 2024-03-05. Review status: criteria provided, single submitter. Criteria: Quest Diagnostics criteria. Collection method: clinical testing. Allele origin: unknown.
Comment: The APOB c.12536C>T (p.Thr4179Ile) variant has not been reported in individuals with APOB-related conditions in the published literature. The frequency of this variant in the general population, 0.000086 (11/128422 chromosomes (Genome Aggregation Database)), is uninformative in the assessment of its pathogenicity. Analysis of this variant using bioinformatics tools for the prediction of the effect of amino acid changes on protein structure and function yielded predictions that this variant is benign. Based on the available information, we are unable to determine the clinical significance of this variant.

Fulgent Genetics
Classification: Uncertain significance for Hypercholesterolemia, autosomal dominant, type B; Familial hypobetalipoproteinemia 1. Last evaluated: 2021-07-05. Review status: criteria provided, single submitter. Criteria: ACMG Guidelines, 2015. Collection method: clinical testing. Allele origin: unknown.

Illumina Laboratory Services, Illumina
Classification: Uncertain significance for Familial hypobetalipoproteinemia 1. Last evaluated: 2018-01-12. Review status: criteria provided, single submitter. Criteria: ICSL Variant Classification Criteria 13 December 2019. Collection method: clinical testing. Allele origin: germline.

Illumina Laboratory Services, Illumina
Classification: Uncertain significance for Hypercholesterolemia, autosomal dominant, type B. Last evaluated: 2018-01-12. Review status: criteria provided, single submitter. Criteria: ICSL Variant Classification Criteria 13 December 2019. Collection method: clinical testing. Allele origin: germline.